The following is an entry in ClinVar:

NM_020737.3(LRFN2):c.411C>T (p.Gly137=)

Gene: LRFN2 (leucine rich repeat and fibronectin type III domain containing 2; minus strand). Cytogenetic location: 6p21.2.
Variant type: single nucleotide variant.
Coding change: c.411C>T on transcript NM_020737.3 (MANE Select); coding-DNA position 411, C replaced by T.
Protein change: p.Gly137=; no amino-acid change (glycine 137 retained).
Molecular consequence: synonymous variant.
Genome position (GRCh38, 1-based): chr6:40,432,703, G>A on the plus strand (C>T on the coding strand, the complement: LRFN2 is on the minus strand). VCF-style: chr6-40432703-G-A. GRCh37 (hg19) VCF-style: chr6-40400442-G-A.
Identifiers: ClinVar variation 2656540 (VCV002656540.24), dbSNP rs368148915, ClinGen allele CA3797018.

ClinVar aggregate classification (germline): Likely benign (1 of 4 stars; one submission).

Allele frequency attached by ClinVar (database versions not stated): gnomAD exomes 0.00002; gnomAD 0.00004; ExAC 0.00005; TOPMed 0.00006; ESP Exome Variant Server 0.00015.
gnomAD v4.1: 40 of 1,613,970 alleles (0.0025%); highest among the groups gnomAD compares: African/African-American, 0.012%; no homozygotes.

Submission:

CeGaT Center for Human Genetics Tuebingen
Classification: Likely benign. Last evaluated: 2023-08-01. Review status: criteria provided, single submitter. Criteria: CeGaT Center For Human Genetics Tuebingen Variant Classification Criteria Version 2. Collection method: clinical testing. Allele origin: germline. Affected: yes. Observed: 1 variant allele.
Comment: LRFN2: BP4, BP7